The following is an entry in ClinVar:

NM_173689.7(CRB2):c.590G>T (p.Gly197Val)

Gene: CRB2 (crumbs cell polarity complex component 2; plus strand). Cytogenetic location: 9q33.3.
Variant type: single nucleotide variant.
Coding change: c.590G>T on transcript NM_173689.7 (MANE Select); coding-DNA position 590, G replaced by T.
Protein change: p.Gly197Val; replaces glycine 197 with valine.
Molecular consequence: missense variant.
Genome position (GRCh38, 1-based): chr9:123,366,088, G>T. VCF-style: chr9-123366088-G-T. GRCh37 (hg19) VCF-style: chr9-126128367-G-T.
Other names: c.590G>T (NM_173689.5); short protein forms G197V.
Identifiers: ClinVar variation 1391598 (VCV001391598.9), dbSNP rs368194233, ClinGen allele CA5231706.

ClinVar aggregate classification (germline): Uncertain significance. Review status: criteria provided, multiple submitters, no conflicts (2 of 4 stars). 2 submissions from 2 submitters: Uncertain significance (2). Last evaluated 2025-11-12.

Conditions:
Inborn genetic diseases. Identifiers: MedGen C0950123, MeSH D030342.

Allele frequency attached by ClinVar (database versions not stated): gnomAD exomes 0.00002; TOPMed 0.00005; ExAC 0.00006; ESP Exome Variant Server 0.00008; gnomAD 0.00009.
gnomAD v4.1: 152 of 1,537,430 alleles (0.0099%); highest among the groups gnomAD compares: Non-Finnish European, 0.013%; no homozygotes.

Submissions (2):

Ambry Genetics
Classification: Uncertain significance for Inborn genetic diseases. Last evaluated: 2025-11-12. Review status: criteria provided, single submitter. Criteria: Ambry Variant Classification Scheme 2023. Collection method: clinical testing. Allele origin: germline.

Labcorp Genetics (formerly Invitae), Labcorp
Classification: Uncertain significance. Last evaluated: 2024-06-03. Review status: criteria provided, single submitter. Criteria: Invitae Variant Classification Sherloc (09022015). Collection method: clinical testing. Allele origin: germline.
Comment: This sequence change replaces glycine, which is neutral and non-polar, with valine, which is neutral and non-polar, at codon 197 of the CRB2 protein (p.Gly197Val). The frequency data for this variant in the population databases is considered unreliable, as metrics indicate poor data quality at this position in the gnomAD database. This variant has not been reported in the literature in individuals affected with CRB2-related conditions. ClinVar contains an entry for this variant (Variation ID: 1391598). Advanced modeling of protein sequence and biophysical properties (such as structural, functional, and spatial information, amino acid conservation, physicochemical variation, residue mobility, and thermodynamic stability) performed at Invitae indicates that this missense variant is expected to disrupt CRB2 protein function with a positive predictive value of 80%. In summary, the available evidence is currently insufficient to determine the role of this variant in disease. Therefore, it has been classified as a Variant of Uncertain Significance.